The following is an entry in ClinVar:

ClinVar aggregate classification (germline): Uncertain significance (1 of 4 stars; one submission).

gnomAD v4.1: 1 of 1,610,706 alleles (0.000062%); highest among the groups gnomAD compares: South Asian, 0.0011%; no homozygotes.

Submission:

Ambry Genetics
Classification: Uncertain significance. Last evaluated: 2026-07-29. Review status: criteria provided, single submitter. Criteria: Ambry Variant Classification Scheme 2023. Collection method: clinical testing. Allele origin: germline.
Comment: The c.660G>A (p.M220I) alteration is located in exon 6 (coding exon 6) of the C11orf80 gene. This alteration results from a G to A substitution at nucleotide position 660, causing the methionine (M) at amino acid position 220 to be replaced by an isoleucine (I). Based on data from gnomAD, the A allele has an overall frequency of <0.001% (1/244122) total alleles studied. The highest observed frequency was 0.003% (1/29642) of South Asian alleles. Based on insufficient or conflicting evidence, the clinical significance of this alteration remains unclear.

NM_001302084.2(TOP6BL):c.162G>A (p.Met54Ile)

Gene: TOP6BL (TOP6B like initiator of meiotic double strand breaks; plus strand). Cytogenetic location: 11q13.2.
Variant type: single nucleotide variant.
Coding change: c.162G>A on transcript NM_001302084.2 (MANE Select); coding-DNA position 162, G replaced by A.
Protein change: p.Met54Ile; replaces methionine 54 with isoleucine.
Molecular consequence: missense variant.
Genome position (GRCh38, 1-based): chr11:66,796,307, G>A. VCF-style: chr11-66796307-G-A. GRCh37 (hg19) VCF-style: chr11-66563778-G-A.
Other names: c.513G>A, p.Met171Ile (NM_024650.4); short protein forms M54I, M171I.
Identifiers: ClinVar variation 5031062 (VCV005031062.1).
Genomic context (GRCh38, chr11:66,796,307, plus strand): 5'-ATGTGTGGTAGGTGTTTTTGTTGTATTATTACAGGTTGATGAAAAGCCCAGAACCTTGAT[G>A]ACAGATTGTCTGGTTATAAAGCATTTTTTACGTAAAATCATCATGGTGCACCCTAAGGTA-3'
Protein context (NP_001289013.1, residues 44-64): FEVDEKPRTL[Met54Ile]TDCLVIKHFL